The following is an entry in ClinVar:

NM_000059.4(BRCA2):c.3658T>C (p.Tyr1220His)

Gene: BRCA2 (BRCA2 DNA repair associated; plus strand). Cytogenetic location: 13q13.1.
Variant type: single nucleotide variant.
Coding change: c.3658T>C on transcript NM_000059.4 (MANE Select); coding-DNA position 3658, T replaced by C.
Protein change: p.Tyr1220His; replaces tyrosine 1220 with histidine.
Molecular consequence: missense variant.
Genome position (GRCh38, 1-based): chr13:32,338,013, T>C. VCF-style: chr13-32338013-T-C. GRCh37 (hg19) VCF-style: chr13-32912150-T-C.
Other names: Y1220H; 3886T>C.
Identifiers: ClinVar variation 37850 (VCV000037850.15), dbSNP rs397507312, ClinGen allele CA018482.

ClinVar aggregate classification (germline): Conflicting classifications of pathogenicity. Review status: criteria provided, conflicting classifications (1 of 4 stars). 5 submissions from 5 submitters: Uncertain significance (3); Likely benign (1). 1 of the submissions does not count toward it. Last evaluated 2026-01-16.

Conditions:
Hereditary cancer-predisposing syndrome. Also called: Neoplastic Syndromes, Hereditary; Hereditary neoplastic syndrome; Tumor predisposition; Hereditary Cancer Syndrome. Identifiers: Orphanet 140162, MedGen C0027672, MeSH D009386, MONDO:0015356.
Hereditary breast ovarian cancer syndrome. Also called: Hereditary breast and ovarian cancer; Hereditary breast and ovarian cancer syndrome (HBOC); Hereditary breast and ovarian cancer syndrome; Breast and ovarian cancer; Hereditary breast and/or ovarian cancer syndrome; BRCA1- and BRCA2-Associated Hereditary Breast and Ovarian Cancer. Identifiers: Orphanet 145, MedGen C0677776, MeSH D061325, MONDO:0003582. Disease mechanism: loss of function.
Breast-ovarian cancer, familial, susceptibility to, 2 (BROVCA2). Also called: BRCA2 Hereditary Breast and Ovarian Cancer. Identifiers: Orphanet 145, MedGen C2675520, MONDO:0012933, OMIM 612555. Disease mechanism: loss of function.

Allele frequency attached by ClinVar (database versions not stated): gnomAD exomes below 0.00001 and 0.00001; ExAC 0.00001.
gnomAD v4.1: 8 of 1,612,920 alleles (0.0005%); highest among the groups gnomAD compares: East Asian, 0.016%; no homozygotes.

Submissions (5):

Ambry Genetics
Classification: Uncertain significance for Hereditary cancer-predisposing syndrome. Last evaluated: 2026-01-16. Review status: criteria provided, single submitter. Criteria: Ambry Variant Classification Scheme 2023. Collection method: clinical testing. Allele origin: germline.
Comment: The p.Y1220H variant (also known as c.3658T>C), located in coding exon 10 of the BRCA2 gene, results from a T to C substitution at nucleotide position 3658. The tyrosine at codon 1220 is replaced by histidine, an amino acid with similar properties. This amino acid position is not well conserved in available vertebrate species. In addition, the in silico prediction for this alteration is inconclusive. Based on the available evidence, the clinical significance of this variant remains unclear.

Dasa
Classification: Uncertain significance for Breast-ovarian cancer, familial, susceptibility to, 2. Last evaluated: 2025-11-10. Review status: criteria provided, single submitter. Criteria: DASA Assertion Criteria. Collection method: clinical testing. Allele origin: germline.
Comment: NM_000059.4(BRCA2):c.3658T>C (p.Tyr1220His) is a missense variant that results in the substitution of tyrosine with histidine. This variant is rare in population databases. The currently available literature and clinical evidence are not sufficient to establish a definitive association between this variant and the reported condition. Therefore, this variant is classified as a variant of uncertain significance.

Labcorp Genetics (formerly Invitae), Labcorp
Classification: Uncertain significance for Hereditary breast ovarian cancer syndrome. Last evaluated: 2025-04-24. Review status: criteria provided, single submitter. Criteria: Invitae Variant Classification Sherloc (09022015). Collection method: clinical testing. Allele origin: germline.
Comment: This sequence change replaces tyrosine, which is neutral and polar, with histidine, which is basic and polar, at codon 1220 of the BRCA2 protein (p.Tyr1220His). This variant is present in population databases (rs397507312, gnomAD 0.0009%). This missense change has been observed in individual(s) with breast cancer (PMID: 30287823). ClinVar contains an entry for this variant (Variation ID: 37850). Invitae Evidence Modeling of protein sequence and biophysical properties (such as structural, functional, and spatial information, amino acid conservation, physicochemical variation, residue mobility, and thermodynamic stability) indicates that this missense variant is not expected to disrupt BRCA2 protein function with a negative predictive value of 95%. In summary, the available evidence is currently insufficient to determine the role of this variant in disease. Therefore, it has been classified as a Variant of Uncertain Significance.

University of Washington Department of Laboratory Medicine, University of Washington
Classification: Likely benign for Hereditary cancer-predisposing syndrome. Last evaluated: 2023-03-23. Review status: criteria provided, single submitter. Criteria: Dines et al. (Genet Med. 2020). Collection method: curation. Allele origin: germline.
Comment: Missense variant in a coldspot region where missense variants are very unlikely to be pathogenic (PMID:31911673).

BRCA2 exon 11 coldspot. Reclassification based on statistical prior probability.

Sharing Clinical Reports Project (SCRP)
Classification: Uncertain significance for Breast-ovarian cancer, familial 2. Last evaluated: 2009-03-16. Review status: no assertion criteria provided. Collection method: clinical testing. Allele origin: germline. Not counted in ClinVar's aggregate classification.

Literature cited by the submitters: PubMed 30287823 (cited by Labcorp Genetics (formerly Invitae), Labcorp).